The following is an entry in ClinVar:

NM_016122.3(CEP83):c.1120C>T (p.Arg374Cys)

Gene: CEP83 (centrosomal protein 83; minus strand). Cytogenetic location: 12q22.
Variant type: single nucleotide variant.
Coding change: c.1120C>T on transcript NM_016122.3 (MANE Select); coding-DNA position 1120, C replaced by T.
Protein change: p.Arg374Cys; replaces arginine 374 with cysteine.
Molecular consequence: missense variant. On other transcripts: non-coding transcript variant (1).
Genome position (GRCh38, 1-based): chr12:94,368,130, G>A on the plus strand (C>T on the coding strand, the complement: CEP83 is on the minus strand). VCF-style: chr12-94368130-G-A. GRCh37 (hg19) VCF-style: chr12-94761906-G-A.
Other names: c.1120C>T, p.Arg374Cys (NM_001042399.2, NM_001346457.2, NM_001368037.1 and 1 more transcripts); c.808C>T, p.Arg270Cys (NM_001346458.2, NM_001346459.2, NM_001368039.1 and 1 more transcripts); c.895C>T, p.Arg299Cys (NM_001368041.1); short protein forms R299C, R270C, R374C.
Identifiers: ClinVar variation 652817 (VCV000652817.12), dbSNP rs200860374, ClinGen allele CA6721747.

ClinVar aggregate classification (germline): Uncertain significance. Review status: criteria provided, multiple submitters, no conflicts (2 of 4 stars). 5 submissions from 5 submitters: Uncertain significance (3). 2 of the submissions do not count toward it. Last evaluated 2025-06-07.

Conditions:
Inborn genetic diseases. Identifiers: MedGen C0950123, MeSH D030342.
Nephronophthisis 18 (NPHP18). Identifiers: Orphanet 655, MedGen C3890591, MONDO:0014374, OMIM 615862.

Allele frequency attached by ClinVar (database versions not stated): gnomAD 0.00025; TOPMed 0.00038; 1000 Genomes Project 30x 0.00047; ESP Exome Variant Server 0.00051; 1000 Genomes Project 0.00060.
gnomAD v4.1: 991 of 1,612,330 alleles (0.061%); highest among the groups gnomAD compares: Non-Finnish European, 0.076%; 1 homozygote.

Submissions (5):

Ambry Genetics
Classification: Uncertain significance for Inborn genetic diseases. Last evaluated: 2025-06-07. Review status: criteria provided, single submitter. Criteria: Ambry Variant Classification Scheme 2023. Collection method: clinical testing. Allele origin: germline.

Blueprint Genetics
Classification: Uncertain significance. Last evaluated: 2024-11-20. Review status: criteria provided, single submitter. Criteria: ACMG Guidelines, 2015. Collection method: clinical testing. Allele origin: germline.

Labcorp Genetics (formerly Invitae), Labcorp
Classification: Uncertain significance for Nephronophthisis 18. Last evaluated: 2022-10-17. Review status: criteria provided, single submitter. Criteria: Invitae Variant Classification Sherloc (09022015). Collection method: clinical testing. Allele origin: germline.
Comment: This sequence change replaces arginine, which is basic and polar, with cysteine, which is neutral and slightly polar, at codon 374 of the CEP83 protein (p.Arg374Cys). This variant is present in population databases (rs200860374, gnomAD 0.07%), and has an allele count higher than expected for a pathogenic variant. This variant has not been reported in the literature in individuals affected with CEP83-related conditions. ClinVar contains an entry for this variant (Variation ID: 652817). Advanced modeling of protein sequence and biophysical properties (such as structural, functional, and spatial information, amino acid conservation, physicochemical variation, residue mobility, and thermodynamic stability) has been performed at Invitae for this missense variant, however the output from this modeling did not meet the statistical confidence thresholds required to predict the impact of this variant on CEP83 protein function. In summary, the available evidence is currently insufficient to determine the role of this variant in disease. Therefore, it has been classified as a Variant of Uncertain Significance.

Diagnostic Laboratory, Department of Genetics, University Medical Center Groningen
Classification: Uncertain significance. Review status: no assertion criteria provided. Collection method: clinical testing. Allele origin: germline. Affected: yes. Study: VKGL Data-share Consensus. Not counted in ClinVar's aggregate classification.

Laboratory of Diagnostic Genome Analysis, Leiden University Medical Center (LUMC)
Classification: Uncertain significance. Review status: no assertion criteria provided. Collection method: clinical testing. Allele origin: germline. Affected: yes. Study: VKGL Data-share Consensus. Not counted in ClinVar's aggregate classification.